The following is an entry in ClinVar:

NM_001510.4(GRID2):c.2265T>C (p.Asp755=)

Gene: GRID2 (glutamate ionotropic receptor delta type subunit 2; plus strand). Cytogenetic location: 4q22.2.
Variant type: single nucleotide variant.
Coding change: c.2265T>C on transcript NM_001510.4 (MANE Select); coding-DNA position 2265, T replaced by C.
Protein change: p.Asp755=; no amino-acid change (aspartic acid 755 retained).
Molecular consequence: synonymous variant.
Genome position (GRCh38, 1-based): chr4:93,626,340, T>C. VCF-style: chr4-93626340-T-C. GRCh37 (hg19) VCF-style: chr4-94547491-T-C.
Other names: c.1980T>C, p.Asp660= (NM_001286838.1).
Identifiers: ClinVar variation 1695098 (VCV001695098.36), dbSNP rs189414710, ClinGen allele CA3012499.

ClinVar aggregate classification (germline): Benign/Likely benign. Review status: criteria provided, multiple submitters, no conflicts (2 of 4 stars). 2 submissions from 2 submitters: Benign (1); Likely benign (1). Last evaluated 2026-06-01.

Allele frequency attached by ClinVar (database versions not stated): gnomAD 0.00011 and 0.00016; gnomAD exomes 0.00014 and 0.00034; TOPMed 0.00023; ExAC 0.00040; 1000 Genomes Project 30x 0.00094; 1000 Genomes Project 0.00100.
gnomAD v4.1: 221 of 1,603,050 alleles (0.014%); highest among the groups gnomAD compares: East Asian, 0.42%; no homozygotes.

Submissions (2):

CeGaT Center for Human Genetics Tuebingen
Classification: Likely benign. Last evaluated: 2026-06-01. Review status: criteria provided, single submitter. Criteria: CeGaT Center For Human Genetics Tuebingen Variant Classification Criteria Version 2. Collection method: clinical testing. Allele origin: germline. Affected: yes. Observed: 3 variant alleles.
Comment: GRID2: BP4, BP7

Labcorp Genetics (formerly Invitae), Labcorp
Classification: Benign. Last evaluated: 2024-08-30. Review status: criteria provided, single submitter. Criteria: Invitae Variant Classification Sherloc (09022015). Collection method: clinical testing. Allele origin: germline.